The following is an entry in ClinVar:

ClinVar aggregate classification (germline): Uncertain significance (1 of 4 stars; one submission).

Conditions:
POLD1-related polyposis and colorectal cancer syndrome (CRCS10). Also called: Colorectal cancer, susceptibility to, 10; Colorectal cancer 10; COLORECTAL CANCER, SUSCEPTIBILITY TO, ON CHROMOSOME 19q. Identifiers: Orphanet 220460, MedGen C2675481, MONDO:0012953, OMIM 612591.

Submission:

Labcorp Genetics (formerly Invitae), Labcorp
Classification: Uncertain significance for POLD1-related polyposis and colorectal cancer syndrome. Last evaluated: 2018-05-15. Review status: criteria provided, single submitter. Criteria: Invitae Variant Classification Sherloc (09022015). Collection method: clinical testing. Allele origin: germline.
Comment: This variant results in a copy number gain of the genomic region encompassing exons 2-19 of the POLD1 gene. The 5' end of this event is unknown as it extends beyond the assayed region for this gene and therefore may encompass additional genes. The 3' boundary is likely confined to intron 19 of the POLD1 gene. As the precise location of this event is unknown, it may be in tandem or it may be located elsewhere in the genome. Similar CNV have not been reported in the literature in individuals with POLD1-related disease. In summary, the available evidence is currently insufficient to determine the role of this variant in disease. Therefore, it has been classified as a Variant of Uncertain Significance.

NC_000019.9:g.(?_50902099)_(50917146_?)dup

Gene: POLD1 (DNA polymerase delta 1, catalytic subunit; plus strand). Cytogenetic location: 19q13.33.
Variant type: Duplication.
Identifiers: ClinVar variation 1064120 (VCV001064120.1).